The following is an entry in ClinVar:

ClinVar aggregate classification (germline): Uncertain significance (1 of 4 stars; one submission).

Conditions:
Developmental and epileptic encephalopathy, 53. Also called: Epileptic encephalopathy, early infantile, 53. Identifiers: MedGen C4479313, MONDO:0033362, OMIM 617389.
Early-onset Parkinson disease 20. Also called: PARKINSON DISEASE 20, AUTOSOMAL RECESSIVE EARLY-ONSET. Identifiers: Orphanet 391411, MedGen C3809824, MONDO:0014233, OMIM 615530.

Submission:

Labcorp Genetics (formerly Invitae), Labcorp
Classification: Uncertain significance for Developmental and epileptic encephalopathy, 53; Early-onset Parkinson disease 20. Last evaluated: 2022-02-17. Review status: criteria provided, single submitter. Criteria: Invitae Variant Classification Sherloc (09022015). Collection method: clinical testing. Allele origin: germline.
Comment: In summary, the available evidence is currently insufficient to determine the role of this variant in disease. Therefore, it has been classified as a Variant of Uncertain Significance. Algorithms developed to predict the effect of missense changes on protein structure and function are either unavailable or do not agree on the potential impact of this missense change (SIFT: "Deleterious"; PolyPhen-2: "Benign"; Align-GVGD: "Class C0"). This variant has not been reported in the literature in individuals affected with SYNJ1-related conditions. This variant is not present in population databases (gnomAD no frequency). This sequence change replaces proline, which is neutral and non-polar, with leucine, which is neutral and non-polar, at codon 1587 of the SYNJ1 protein (p.Pro1587Leu).

NM_203446.3(SYNJ1):c.*731C>T

Gene: SYNJ1 (synaptojanin 1; minus strand). Cytogenetic location: 21q22.11.
Variant type: single nucleotide variant.
Coding change: c.*731C>T on transcript NM_203446.3 (MANE Select); 731 bases downstream of the stop codon, C replaced by T.
Molecular consequence: 3 prime UTR variant. On other transcripts: missense variant (2).
Genome position (GRCh38, 1-based): chr21:32,631,074, G>A on the plus strand (C>T on the coding strand, the complement: SYNJ1 is on the minus strand). VCF-style: chr21-32631074-G-A. GRCh37 (hg19) VCF-style: chr21-34003384-G-A.
Other names: c.*731C>T (NM_001160302.2); c.4502C>T, p.Pro1501Leu (NM_001160306.2); c.4760C>T, p.Pro1587Leu (NM_003895.4); short protein forms P1501L, P1587L.
Identifiers: ClinVar variation 2098098 (VCV002098098.4), dbSNP rs2517266863, ClinGen allele CA410080681.